The following is an entry in ClinVar:

NM_017934.7(PHIP):c.2759_2762del (p.Arg920fs)

Gene: PHIP (pleckstrin homology domain interacting protein; minus strand). Cytogenetic location: 6q14.1.
Variant type: Microsatellite.
Coding change: c.2759_2762del on transcript NM_017934.7 (MANE Select); coding-DNA positions 2759 to 2762, 4 bases deleted (GAAA; older notation c.2759_2762delGAAA).
Protein change: p.Arg920fs; shifts the reading frame from arginine 920.
Molecular consequence: frameshift variant.
Genome position (GRCh38, 1-based): chr6:78,982,893-78,982,896, TTTC deleted on the plus strand (GAAA on the coding strand, the reverse complement: PHIP is on the minus strand); deleting any 4 consecutive bases within chr6:78,982,893-78,982,903 gives the same sequence; the c. name uses the placement nearest the transcript's 3' end. VCF-style (leftmost placement, unchanged base first): chr6-78982892-TTTTC-T. GRCh37 (hg19) VCF-style: chr6-79692609-TTTTC-T.
Other names: short protein forms R920fs.
Identifiers: ClinVar variation 817994 (VCV000817994.1), dbSNP rs1582164609, ClinGen allele CA915944357.
Genomic context (GRCh38, chr6:78,982,892, plus strand): 5'-TGCTTTAAACTGTTTCTCTAGAAAACACCAAATTTGTAATGTTAAAAACCAAACCTTTTG[TTTTC>T]TTTCTTTGGGCTTCTTTTTCTTTGGTGATATTGGTCCATCTTTTTCTTCATTTACTTTTT-3'

ClinVar aggregate classification (germline): Pathogenic (1 of 4 stars; one submission).

Submission:

GeneDx
Classification: Pathogenic. Last evaluated: 2019-01-21. Review status: criteria provided, single submitter. Criteria: GeneDx Variant Classification (06012015). Collection method: clinical testing. Allele origin: germline. Affected: yes.
Comment: The c.2759_2762delGAAA variant in the PHIP gene has not been reported previously as a pathogenic variant nor as a benign variant, to our knowledge. The c.2759_2762delGAAA variant causes a frameshift starting with codon Arginine 920, changes this amino acid to an Asparagine residue, and creates a premature Stop codon at position 10 of the new reading frame, denoted p.Arg920AsnfsX10. This variant is predicted to cause loss of normal protein function either through protein truncation or nonsense-mediated mRNA decay. The c.2759_2762delGAAA variant is not observed in large population cohorts (Lek et al., 2016). We interpret c.2759_2762delGAAA as a pathogenic variant